The following is an entry in ClinVar:

NM_000275.3(OCA2):c.1808del (p.Asn603fs)

Gene: OCA2 (OCA2 melanosomal transmembrane protein; minus strand). Cytogenetic location: 15q13.1.
Variant type: Deletion.
Coding change: c.1808del on transcript NM_000275.3 (MANE Select); coding-DNA position 1808, one base deleted (A; older notation c.1808delA).
Protein change: p.Asn603fs; shifts the reading frame from asparagine 603.
Molecular consequence: frameshift variant.
Genome position (GRCh38, 1-based): chr15:27,955,192, T deleted on the plus strand (A on the coding strand, the reverse complement: OCA2 is on the minus strand); the first of 5 consecutive T bases (chr15:27,955,192-27,955,196); deleting any one gives the same sequence. VCF-style (leftmost placement, unchanged base first): chr15-27955191-AT-A. GRCh37 (hg19) VCF-style: chr15-28200337-AT-A.
Other names: c.1808del (NM_000275.2); c.1736del, p.Asn579fs (NM_001300984.2); short protein forms N579fs, N603fs.
Identifiers: ClinVar variation 1324826 (VCV001324826.14), dbSNP rs1476192724, ClinGen allele CA616709128.
Genomic context (GRCh38, chr15:27,955,191, plus strand): 5'-AATCCCTGAGGAAAGAAAGCTGGGTACCTTTTTTTGGAGTTCTTGGATATTGGTCTCCCA[AT>A]TTTTGTCCTCCTGTGAGATCTGTCTAAAAGAGAAAAGAAGAGACTCATTACTTCCCTGGT-3'

ClinVar aggregate classification (germline): Pathogenic/Likely pathogenic. Review status: criteria provided, multiple submitters, no conflicts (2 of 4 stars). 5 submissions from 5 submitters: Pathogenic (3); Likely pathogenic (2). Last evaluated 2025-07-31.

Conditions:
OCA2-related disorder. Also called: OCA2-related condition.
Tyrosinase-positive oculocutaneous albinism (OCA2). Also called: Oculocutaneous albinism type 2; Albinism, oculocutaneous, type II; ALBINISM II. Identifiers: Orphanet 79432, MedGen C0268495, MONDO:0008746, OMIM 203200.
SKIN/HAIR/EYE PIGMENTATION 1, BLUE/NONBLUE EYES (SHEP1). Also called: HAIR COLOR 3; SKIN/HAIR/EYE PIGMENTATION 1, BLOND/BROWN HAIR; SKIN/HAIR/EYE PIGMENTATION 1, BLUE/BROWN EYES; BROWN EYE COLOR 2; EYE COLOR 3; EYE COLOR, BLUE/NONBLUE. Identifiers: MedGen C1856895, OMIM 227220.

Submissions (5):

Labcorp Genetics (formerly Invitae), Labcorp
Classification: Pathogenic. Last evaluated: 2025-07-31. Review status: criteria provided, single submitter. Criteria: Invitae Variant Classification Sherloc (09022015). Collection method: clinical testing. Allele origin: germline.
Comment: This sequence change creates a premature translational stop signal (p.Asn603Ilefs*25) in the OCA2 gene. It is expected to result in an absent or disrupted protein product. Loss-of-function variants in OCA2 are known to be pathogenic (PMID: 19865097, 21541274). This variant is present in population databases (no rsID available, gnomAD 0.003%). This premature translational stop signal has been observed in individual(s) with ocular albinism (PMID: 29345414). ClinVar contains an entry for this variant (Variation ID: 1324826). For these reasons, this variant has been classified as Pathogenic.

GeneDx
Classification: Pathogenic. Last evaluated: 2025-07-17. Review status: criteria provided, single submitter. Criteria: GeneDx Variant Classification Process June 2021. Collection method: clinical testing. Allele origin: germline. Affected: yes.
Comment: Frameshift variant predicted to result in protein truncation or nonsense mediated decay in a gene for which loss of function is a known mechanism of disease; Not observed at significant frequency in large population cohorts (gnomAD); This variant is associated with the following publications: (PMID: 29345414)

Blueprint Genetics
Classification: Likely pathogenic for OCA2-related disorders. Last evaluated: 2024-06-06. Review status: criteria provided, single submitter. Criteria: ACMG Guidelines, 2015. Collection method: clinical testing. Allele origin: germline. Affected: yes. Observed: 1 variant allele.

Fulgent Genetics
Classification: Likely pathogenic for Tyrosinase-positive oculocutaneous albinism; SKIN/HAIR/EYE PIGMENTATION 1, BLUE/NONBLUE EYES. Last evaluated: 2024-01-05. Review status: criteria provided, single submitter. Criteria: ACMG Guidelines, 2015. Collection method: clinical testing. Allele origin: germline.

Genetic Services Laboratory, University of Chicago
Classification: Pathogenic. Last evaluated: 2018-02-16. Review status: criteria provided, single submitter. Criteria: ACMG Guidelines, 2015. Collection method: clinical testing. Allele origin: germline. Affected: yes.

Literature cited by the submitters: PubMed 19865097 (cited by Labcorp Genetics (formerly Invitae), Labcorp); PubMed 21541274 (cited by Labcorp Genetics (formerly Invitae), Labcorp); PubMed 29345414 (cited by Labcorp Genetics (formerly Invitae), Labcorp).